The following is an entry in ClinVar:

NM_001918.5(DBT):c.1002G>T (p.Gln334His)

Gene: DBT (dihydrolipoamide branched chain transacylase E2; minus strand). Cytogenetic location: 1p21.2.
Variant type: single nucleotide variant.
Coding change: c.1002G>T on transcript NM_001918.5 (MANE Select); coding-DNA position 1002, G replaced by T.
Protein change: p.Gln334His; replaces glutamine 334 with histidine.
Molecular consequence: missense variant. On other transcripts: non-coding transcript variant (4).
Genome position (GRCh38, 1-based): chr1:100,210,709, C>A on the plus strand (G>T on the coding strand, the complement: DBT is on the minus strand). VCF-style: chr1-100210709-C-A. GRCh37 (hg19) VCF-style: chr1-100676265-C-A.
Other names: c.459G>T, p.Gln153His (NM_001399969.1, NM_001399972.1); short protein forms Q334H, Q153H.
Identifiers: ClinVar variation 1952432 (VCV001952432.5), dbSNP rs2524126829, ClinGen allele CA341334582.

ClinVar aggregate classification (germline): Uncertain significance (1 of 4 stars; one submission).

Conditions:
Maple syrup urine disease (MSUD). Identifiers: Orphanet 511, MedGen C0024776, MeSH D008375, MONDO:0009563. Disease mechanism: loss of function.

Allele frequency attached by ClinVar (database versions not stated): gnomAD exomes below 0.00001.
gnomAD v4.1: 2 of 1,613,042 alleles (0.00012%); highest among the groups gnomAD compares: Non-Finnish European, 0.000085%; no homozygotes.

Submission:

Labcorp Genetics (formerly Invitae), Labcorp
Classification: Uncertain significance for Maple syrup urine disease. Last evaluated: 2022-04-15. Review status: criteria provided, single submitter. Criteria: Invitae Variant Classification Sherloc (09022015). Collection method: clinical testing. Allele origin: germline.
Comment: This sequence change replaces glutamine, which is neutral and polar, with histidine, which is basic and polar, at codon 334 of the DBT protein (p.Gln334His). This variant is not present in population databases (gnomAD no frequency). This variant has not been reported in the literature in individuals affected with DBT-related conditions. Advanced modeling of protein sequence and biophysical properties (such as structural, functional, and spatial information, amino acid conservation, physicochemical variation, residue mobility, and thermodynamic stability) performed at Invitae indicates that this missense variant is not expected to disrupt DBT protein function. Algorithms developed to predict the effect of sequence changes on RNA splicing suggest that this variant may disrupt the consensus splice site. In summary, the available evidence is currently insufficient to determine the role of this variant in disease. Therefore, it has been classified as a Variant of Uncertain Significance.